The following is an entry in ClinVar:

ClinVar aggregate classification (germline): Uncertain significance (1 of 4 stars; one submission).

Conditions:
LRRC45-related disorder. Also called: LRRC45-related condition.

gnomAD v4.1: 5 of 1,546,310 alleles (0.00032%); highest among the groups gnomAD compares: Admixed American, 0.0098%; no homozygotes.

Submission:

PreventionGenetics, part of Exact Sciences
Classification: Uncertain significance for LRRC45-related condition. Last evaluated: 2025-05-21. Review status: criteria provided, single submitter. Criteria: ACMG Guidelines, 2015. Collection method: clinical testing. Allele origin: germline.
Comment: The LRRC45 c.1518G>C variant is predicted to result in the amino acid substitution p.Glu506Asp. To our knowledge, this variant has not been reported in the literature. This variant is reported in 0.0081% of alleles in individuals of Latino descent in gnomAD. At this time, the clinical significance of this variant is uncertain due to the absence of conclusive functional and genetic evidence.

NM_144999.4(LRRC45):c.1518G>C (p.Glu506Asp)

Gene: LRRC45 (leucine rich repeat containing 45; plus strand). Cytogenetic location: 17q25.3.
Variant type: single nucleotide variant.
Coding change: c.1518G>C on transcript NM_144999.4 (MANE Select); coding-DNA position 1518, G replaced by C.
Protein change: p.Glu506Asp; replaces glutamic acid 506 with aspartic acid.
Molecular consequence: missense variant.
Genome position (GRCh38, 1-based): chr17:82,030,088, G>C. VCF-style: chr17-82030088-G-C. GRCh37 (hg19) VCF-style: chr17-79987964-G-C.
Other names: short protein forms E506D.
Identifiers: ClinVar variation 4977940 (VCV004977940.1).